The following is an entry in ClinVar:

ClinVar aggregate classification (germline): Conflicting classifications of pathogenicity. Review status: criteria provided, conflicting classifications (1 of 4 stars). 10 submissions from 9 submitters: Uncertain significance (2); Benign (1); Likely benign (7). Last evaluated 2026-01-20.

Conditions:
Hereditary spastic paraplegia. Also called: Familial spastic paraparesis. Identifiers: Orphanet 685, MedGen C0037773, MONDO:0019064. Disease mechanism: loss of function.
Amyotrophic lateral sclerosis type 4 (ALS4). Also called: NEURONOPATHY, DISTAL HEREDITARY MOTOR, WITH PYRAMIDAL FEATURES; AMYOTROPHIC LATERAL SCLEROSIS 4, JUVENILE. Identifiers: Orphanet 357043, MedGen C1865409, MONDO:0011223, OMIM 602433.
Spinocerebellar ataxia, autosomal recessive, with axonal neuropathy 2 (SCAN2). Also called: Ataxia-ocular apraxia-2; Ataxia with Oculomotor Apraxia Type 2; Ataxia with Oculomotor Apraxia; ATAXIA-OCULOMOTOR APRAXIA 2. Identifiers: Orphanet 64753, MedGen C1853761, MONDO:0018996, OMIM 606002.

Allele frequency attached by ClinVar (database versions not stated): ExAC 0.00025; gnomAD exomes 0.00030 and 0.00053; ESP Exome Variant Server 0.00031; gnomAD 0.00034 and 0.00036; TOPMed 0.00036.
gnomAD v4.1: 830 of 1,611,914 alleles (0.051%); highest among the groups gnomAD compares: Middle Eastern, 0.13%; no homozygotes.

Submissions (10):

Women's Health and Genetics/Laboratory Corporation of America, LabCorp
Classification: Likely benign. Last evaluated: 2026-01-20. Review status: criteria provided, single submitter. Criteria: LabCorp Variant Classification Summary - May 2015. Collection method: clinical testing. Allele origin: germline.

Labcorp Genetics (formerly Invitae), Labcorp
Classification: Likely benign for Amyotrophic lateral sclerosis type 4; Spinocerebellar ataxia, autosomal recessive, with axonal neuropathy 2. Last evaluated: 2025-11-23. Review status: criteria provided, single submitter. Criteria: Invitae Variant Classification Sherloc (09022015). Collection method: clinical testing. Allele origin: germline.

Mayo Clinic Laboratories, Mayo Clinic
Classification: Likely benign. Last evaluated: 2025-11-03. Review status: criteria provided, single submitter. Criteria: ACMG Guidelines, 2015. Collection method: clinical testing. Allele origin: germline. Observed: 4 variant alleles.
Comment: BP4, BP7

Athena Diagnostics
Classification: Benign. Last evaluated: 2025-04-04. Review status: criteria provided, single submitter. Criteria: Athena Diagnostics Criteria. Collection method: clinical testing. Allele origin: unknown.
Comment: The frequency of this variant in the general population is higher than would generally be expected for pathogenic variants in this gene. Computational tools yielded predictions that this variant is unlikely to have an effect on normal RNA splicing. This nucleotide position exhibits low evolutionary conservation.

Blueprint Genetics
Classification: Likely benign. Last evaluated: 2024-11-21. Review status: criteria provided, single submitter. Criteria: ACMG Guidelines, 2015. Collection method: clinical testing. Allele origin: germline.

ARUP Laboratories, Molecular Genetics and Genomics, ARUP Laboratories
Classification: Likely benign. Last evaluated: 2023-09-11. Review status: criteria provided, single submitter. Criteria: ARUP Molecular Germline Variant Investigation Process 2024. Collection method: clinical testing. Allele origin: germline.

CeGaT Center for Human Genetics Tuebingen
Classification: Likely benign. Last evaluated: 2022-09-01. Review status: criteria provided, single submitter. Criteria: CeGaT Center For Human Genetics Tuebingen Variant Classification Criteria Version 2. Collection method: clinical testing. Allele origin: germline. Affected: yes. Observed: 1 variant allele.
Comment: SETX: BP4, BP7

Illumina Laboratory Services, Illumina
Classification: Likely benign for Amyotrophic lateral sclerosis type 4. Last evaluated: 2018-01-13. Review status: criteria provided, single submitter. Criteria: ICSL Variant Classification Criteria 13 December 2019. Collection method: clinical testing. Allele origin: germline.
Comment: This variant was observed in the ICSL laboratory as part of a predisposition screen in an ostensibly healthy population. It had not been previously curated by ICSL or reported in the Human Gene Mutation Database (HGMD: prior to June 1st, 2018), and was therefore a candidate for classification through an automated scoring system. Utilizing variant allele frequency, disease prevalence and penetrance estimates, and inheritance mode, an automated score was calculated to assess if this variant is too frequent to cause the disease. Based on the score and internal cut-off values, a variant classified as likely benign is not then subjected to further curation. The score for this variant resulted in a classification of likely benign for this disease.

Illumina Laboratory Services, Illumina
Classification: Uncertain significance for Spinocerebellar ataxia, autosomal recessive, with axonal neuropathy 2. Last evaluated: 2018-01-13. Review status: criteria provided, single submitter. Criteria: ICSL Variant Classification Criteria 13 December 2019. Collection method: clinical testing. Allele origin: germline.

Genome Diagnostics Laboratory, The Hospital for Sick Children
Classification: Uncertain significance for Hereditary spastic paraplegia. Last evaluated: 2016-12-12. Review status: criteria provided, single submitter. Criteria: ACMG Guidelines, 2015. Collection method: clinical testing. Allele origin: germline. Affected: yes.

NM_015046.7(SETX):c.5283A>G (p.Gln1761=)

Gene: SETX (senataxin; minus strand). Cytogenetic location: 9q34.13.
Variant type: single nucleotide variant.
Coding change: c.5283A>G on transcript NM_015046.7 (MANE Select); coding-DNA position 5283, A replaced by G.
Protein change: p.Gln1761=; no amino-acid change (glutamine 1761 retained).
Molecular consequence: synonymous variant.
Genome position (GRCh38, 1-based): chr9:132,311,848, T>C on the plus strand (A>G on the coding strand, the complement: SETX is on the minus strand). VCF-style: chr9-132311848-T-C. GRCh37 (hg19) VCF-style: chr9-135187235-T-C.
Other names: p.Gln1761=; c.5283A>G, p.Gln1761= (NM_001351527.2, NM_001351528.2).
Identifiers: ClinVar variation 365351 (VCV000365351.84), dbSNP rs139063885, ClinGen allele CA5297024.